The following is an entry in ClinVar:

ClinVar aggregate classification (germline): Uncertain significance (1 of 4 stars; one submission).

Allele frequency attached by ClinVar (database versions not stated): gnomAD 0.00005; ExAC 0.00006; ESP Exome Variant Server 0.00009; gnomAD exomes 0.00002; TOPMed 0.00002.
gnomAD v4.1: 23 of 1,209,492 alleles (0.0019%); highest among the groups gnomAD compares: South Asian, 0.0035%; no homozygotes.

Submission:

Labcorp Genetics (formerly Invitae), Labcorp
Classification: Uncertain significance. Last evaluated: 2024-02-19. Review status: criteria provided, single submitter. Criteria: Invitae Variant Classification Sherloc (09022015). Collection method: clinical testing. Allele origin: germline.
Comment: This sequence change replaces arginine, which is basic and polar, with glutamine, which is neutral and polar, at codon 589 of the CLCN5 protein (p.Arg589Gln). The frequency data for this variant in the population databases is considered unreliable, as metrics indicate poor data quality at this position in the gnomAD database. This variant has not been reported in the literature in individuals affected with CLCN5-related conditions. ClinVar contains an entry for this variant (Variation ID: 1910509). An algorithm developed to predict the effect of missense changes on protein structure and function (PolyPhen-2) suggests that this variant is likely to be tolerated. In summary, the available evidence is currently insufficient to determine the role of this variant in disease. Therefore, it has been classified as a Variant of Uncertain Significance.

NM_001127898.4(CLCN5):c.1976G>A (p.Arg659Gln)

Genes: CLCN5 (chloride voltage-gated channel 5; plus strand), LOC126863258 (BRD4-independent group 4 enhancer GRCh37_chrX:49854497-49855696; plus strand). Cytogenetic location: Xp11.23.
Variant type: single nucleotide variant.
Coding change: c.1976G>A on transcript NM_001127898.4 (MANE Select); coding-DNA position 1976, G replaced by A.
Protein change: p.Arg659Gln; replaces arginine 659 with glutamine.
Molecular consequence: missense variant.
Genome position (GRCh38, 1-based): chrX:50,090,347, G>A. VCF-style: chrX-50090347-G-A. GRCh37 (hg19) VCF-style: chrX-49855004-G-A.
Other names: c.1766G>A, p.Arg589Gln (NM_000084.5); c.1976G>A, p.Arg659Gln (NM_001127899.4); c.1826G>A, p.Arg609Gln (NM_001282163.2); short protein forms R589Q, R609Q, R659Q.
Identifiers: ClinVar variation 1910509 (VCV001910509.5), dbSNP rs140246004, ClinGen allele CA10413944.
Genomic context (GRCh38, chrX:50,090,347, plus strand): 5'-TTCTTGAAGCCAAAGAAGAGTTTGCTCATAAGACCCTGGCAATGGATGTGATGAAACCCC[G>A]GAGAAATGATCCTTTGTTGACTGTCCTTACTCAGGACAGTATGACTGTGGAAGATGTAGA-3'
Protein context (NP_001121370.1, residues 649-669): KTLAMDVMKP[Arg659Gln]RNDPLLTVLT